The following is an entry in ClinVar:

NM_000038.6(APC):c.2567G>A (p.Arg856His)

Gene: APC (APC regulator of Wnt signaling pathway; plus strand). Cytogenetic location: 5q22.2.
Variant type: single nucleotide variant.
Coding change: c.2567G>A on transcript NM_000038.6 (MANE Select); coding-DNA position 2567, G replaced by A.
Protein change: p.Arg856His; replaces arginine 856 with histidine.
Molecular consequence: missense variant.
Genome position (GRCh38, 1-based): chr5:112,838,161, G>A. VCF-style: chr5-112838161-G-A. GRCh37 (hg19) VCF-style: chr5-112173858-G-A.
Other names: c.2567G>A, p.Arg856His (NM_001127510.3, NM_001354895.2); c.2513G>A, p.Arg838His (NM_001127511.3); c.2621G>A, p.Arg874His (NM_001354896.2); c.2597G>A, p.Arg866His (NM_001354897.2); c.2492G>A, p.Arg831His (NM_001354898.2); c.2483G>A, p.Arg828His (NM_001354899.2); c.2444G>A, p.Arg815His (NM_001354900.2); c.2390G>A, p.Arg797His (NM_001354901.2); and 5 more; short protein forms R838H, R856H, R755H, R765H, R815H, R866H, R573H, R730H.
Identifiers: ClinVar variation 627759 (VCV000627759.27), dbSNP rs757164742, ClinGen allele CA032539.

ClinVar aggregate classification (germline): Uncertain significance. Review status: criteria provided, multiple submitters, no conflicts (2 of 4 stars). 6 submissions from 6 submitters: Uncertain significance (6). Last evaluated 2025-03-13.

Conditions:
Familial adenomatous polyposis 1 (FAP1). Also called: FAMILIAL ADENOMATOUS POLYPOSIS 1, ATTENUATED; POLYPOSIS, ADENOMATOUS INTESTINAL. Identifiers: MedGen C2713442, MONDO:0021056, OMIM 175100. Disease mechanism: loss of function.
Hereditary cancer-predisposing syndrome. Also called: Tumor predisposition; Hereditary Cancer Syndrome; Neoplastic Syndromes, Hereditary; Hereditary neoplastic syndrome. Identifiers: Orphanet 140162, MedGen C0027672, MeSH D009386, MONDO:0015356.

Allele frequency attached by ClinVar (database versions not stated): ExAC 0.00002.
gnomAD v4.1: 6 of 1,614,116 alleles (0.00037%); highest among the groups gnomAD compares: East Asian, 0.0022%; no homozygotes.

Submissions (6):

Ambry Genetics
Classification: Uncertain significance for Hereditary cancer-predisposing syndrome. Last evaluated: 2025-03-13. Review status: criteria provided, single submitter. Criteria: Ambry Variant Classification Scheme 2023. Collection method: clinical testing. Allele origin: germline.
Comment: The p.R856H variant (also known as c.2567G>A), located in coding exon 15 of the APC gene, results from a G to A substitution at nucleotide position 2567. The arginine at codon 856 is replaced by histidine, an amino acid with highly similar properties. This amino acid position is well conserved in available vertebrate species. In addition, in silico predictors for this gene do not accurately predict pathogenicity. Missense alterations in APC are not a common cause of disease (Spier I et al. Genet Med. 2024 Feb;26(2):100992). Since supporting evidence is limited at this time, the clinical significance of this alteration remains unclear.

Center for Genomic Medicine, Rigshospitalet, Copenhagen University Hospital
Classification: Uncertain significance. Last evaluated: 2025-03-04. Review status: criteria provided, single submitter. Criteria: ACMG Guidelines, 2015. Collection method: clinical testing. Allele origin: germline.

Color Diagnostics, LLC DBA Color Health
Classification: Uncertain significance for Hereditary cancer-predisposing syndrome. Last evaluated: 2024-09-23. Review status: criteria provided, single submitter. Criteria: ACMG Guidelines, 2015. Collection method: clinical testing. Allele origin: germline.
Comment: This missense variant replaces arginine with histidine at codon 856 of the APC protein. Computational prediction suggests that this variant may not impact protein structure and function (internally defined REVEL score threshold <= 0.5, PMID: 27666373). To our knowledge, functional studies have not been reported for this variant. This variant has not been reported in individuals affected with APC-related disorders in the literature. This variant has been identified in 2/251120 chromosomes in the general population by the Genome Aggregation Database (gnomAD). The available evidence is insufficient to determine the role of this variant in disease conclusively. Therefore, this variant is classified as a Variant of Uncertain Significance.

Labcorp Genetics (formerly Invitae), Labcorp
Classification: Uncertain significance for Familial adenomatous polyposis 1. Last evaluated: 2024-07-24. Review status: criteria provided, single submitter. Criteria: Invitae Variant Classification Sherloc (09022015). Collection method: clinical testing. Allele origin: germline.
Comment: This sequence change replaces arginine, which is basic and polar, with histidine, which is basic and polar, at codon 856 of the APC protein (p.Arg856His). This variant is present in population databases (rs757164742, gnomAD 0.006%). This variant has not been reported in the literature in individuals affected with APC-related conditions. ClinVar contains an entry for this variant (Variation ID: 627759). Advanced modeling of protein sequence and biophysical properties (such as structural, functional, and spatial information, amino acid conservation, physicochemical variation, residue mobility, and thermodynamic stability) performed at Invitae indicates that this missense variant is not expected to disrupt APC protein function with a negative predictive value of 95%. In summary, the available evidence is currently insufficient to determine the role of this variant in disease. Therefore, it has been classified as a Variant of Uncertain Significance.

Baylor Genetics
Classification: Uncertain significance for Familial adenomatous polyposis 1. Last evaluated: 2023-08-01. Review status: criteria provided, single submitter. Criteria: ACMG Guidelines, 2015. Collection method: clinical testing. Allele origin: unknown.

Sema4
Classification: Uncertain significance for Hereditary cancer-predisposing syndrome. Last evaluated: 2021-04-20. Review status: criteria provided, single submitter. Criteria: Sema4 Curation Guidelines. Collection method: curation. Allele origin: germline.
Comment: To the best of our knowledge, the APC c.2567G>A (p.R856H) variant has not been reported in individuals with APC-related disease. This variant was observed in 1/18384 chromosomes of the East Asian subpopulation in the large and broad cohorts of the Genome Aggregation Database (PMID: 32461654). This variant has been reported in ClinVar (Variation ID: 627759). In silico tools suggest the impact of the variant on protein function is inconclusive, though these predictions have not been confirmed by functional studies. The overall evidence is inconsistent with ACMG/AMP requirements for a classification of benign or pathogenic. In summary, the clinical significance of this variant is currently uncertain.